The following is an entry in ClinVar:

NM_002880.4(RAF1):c.1669-19_1672dup

Gene: RAF1 (Raf-1 proto-oncogene, serine/threonine kinase; minus strand). Cytogenetic location: 3p25.2.
Variant type: Duplication.
Coding change: c.1669-19_1672dup on transcript NM_002880.4 (MANE Select); 19 bases into the intron before coding-DNA position 1669 through coding-DNA position 1672, 23 bases duplicated (GCTGTTTTCTTTCCCTTAGATCA).
Molecular consequence: splice acceptor variant.
Genome position (GRCh38, 1-based): chr3:12,584,978-12,585,000, TGATCTAAGGGAAAGAAAACAGC duplicated on the plus strand (GCTGTTTTCTTTCCCTTAGATCA on the coding strand, the reverse complement: RAF1 is on the minus strand); duplicating any 23 consecutive bases within chr3:12,584,978-12,585,003 gives the same sequence; the c. name uses the placement nearest the transcript's 3' end. VCF-style (leftmost placement, unchanged base first): chr3-12584977-A-ATGATCTAAGGGAAAGAAAACAGC. GRCh37 (hg19) VCF-style: chr3-12626476-A-ATGATCTAAGGGAAAGAAAACAGC.
Other names: c.1327-19_1330dup (NM_001354695.3); c.1426-19_1429dup (NM_001354692.3, NM_001354691.3); c.1486-19_1489dup (NM_001354694.3); c.1570-19_1573dup (NM_001354693.3); c.1729-19_1732dup (NM_001354689.3); c.1669-19_1672dup (NM_001354690.3).
Identifiers: ClinVar variation 1354181 (VCV001354181.6), dbSNP rs2125320099, ClinGen allele CA2573136034.

ClinVar aggregate classification (germline): Uncertain significance (1 of 4 stars; one submission).

Conditions:
RASopathy. Also called: rasopathies; Noonan spectrum disorder. Identifiers: Orphanet 536391, MedGen C5555857, MONDO:0021060.

Submission:

Labcorp Genetics (formerly Invitae), Labcorp
Classification: Uncertain significance for RASopathy. Last evaluated: 2021-05-17. Review status: criteria provided, single submitter. Criteria: Invitae Variant Classification Sherloc (09022015). Collection method: clinical testing. Allele origin: germline.
Comment: Algorithms developed to predict the effect of sequence changes on RNA splicing suggest that this variant may create or strengthen a splice site, but this prediction has not been confirmed by published transcriptional studies. This sequence change falls in intron 15 of the RAF1 gene. It does not directly change the encoded amino acid sequence of the RAF1 protein. This variant is not present in population databases (ExAC no frequency). This variant has not been reported in the literature in individuals with RAF1-related conditions. This variant is also known as c.1669-19_1672dup (p.Ile558Serfs*32). In summary, the available evidence is currently insufficient to determine the role of this variant in disease. Therefore, it has been classified as a Variant of Uncertain Significance.